The following is an entry in ClinVar:

ClinVar aggregate classification (germline): Uncertain significance. Review status: criteria provided, multiple submitters, no conflicts (2 of 4 stars). 2 submissions from 2 submitters: Uncertain significance (2). Last evaluated 2025-10-02.

Allele frequency attached by ClinVar (database versions not stated): gnomAD 0.00005 and 0.00004; gnomAD exomes 0.00005 and 0.00002; ExAC 0.00003; TOPMed 0.00006; ESP Exome Variant Server 0.00008.
gnomAD v4.1: 41 of 1,614,082 alleles (0.0025%); highest among the groups gnomAD compares: Admixed American, 0.01%; no homozygotes.

Submissions (2):

Ambry Genetics
Classification: Uncertain significance. Last evaluated: 2025-10-02. Review status: criteria provided, single submitter. Criteria: Ambry Variant Classification Scheme 2023. Collection method: clinical testing. Allele origin: germline.

Labcorp Genetics (formerly Invitae), Labcorp
Classification: Uncertain significance. Last evaluated: 2024-03-28. Review status: criteria provided, single submitter. Criteria: Invitae Variant Classification Sherloc (09022015). Collection method: clinical testing. Allele origin: germline.
Comment: This sequence change replaces isoleucine, which is neutral and non-polar, with threonine, which is neutral and polar, at codon 300 of the ROM1 protein (p.Ile300Thr). This variant is present in population databases (rs369016047, gnomAD 0.01%). This variant has not been reported in the literature in individuals affected with ROM1-related conditions. ClinVar contains an entry for this variant (Variation ID: 1499046). Advanced modeling of protein sequence and biophysical properties (such as structural, functional, and spatial information, amino acid conservation, physicochemical variation, residue mobility, and thermodynamic stability) performed at Invitae indicates that this missense variant is not expected to disrupt ROM1 protein function with a negative predictive value of 80%. In summary, the available evidence is currently insufficient to determine the role of this variant in disease. Therefore, it has been classified as a Variant of Uncertain Significance.

NM_000327.4(ROM1):c.899T>C (p.Ile300Thr)

Gene: ROM1 (retinal outer segment membrane protein 1; plus strand). Cytogenetic location: 11q12.3.
Variant type: single nucleotide variant.
Coding change: c.899T>C on transcript NM_000327.4 (MANE Select); coding-DNA position 899, T replaced by C.
Protein change: p.Ile300Thr; replaces isoleucine 300 with threonine.
Molecular consequence: missense variant.
Genome position (GRCh38, 1-based): chr11:62,614,682, T>C. VCF-style: chr11-62614682-T-C. GRCh37 (hg19) VCF-style: chr11-62382154-T-C.
Other names: c.899T>C (NM_000327.3); short protein forms I300T.
Identifiers: ClinVar variation 1499046 (VCV001499046.9), dbSNP rs369016047, ClinGen allele CA6049868.